The following is an entry in ClinVar:

NM_001134407.3(GRIN2A):c.404T>C (p.Met135Thr)

Gene: GRIN2A (glutamate ionotropic receptor NMDA type subunit 2A; minus strand). Cytogenetic location: 16p13.2.
Variant type: single nucleotide variant.
Coding change: c.404T>C on transcript NM_001134407.3 (MANE Select); coding-DNA position 404, T replaced by C.
Protein change: p.Met135Thr; replaces methionine 135 with threonine.
Molecular consequence: missense variant.
Genome position (GRCh38, 1-based): chr16:10,180,008, A>G on the plus strand (T>C on the coding strand, the complement: GRIN2A is on the minus strand). VCF-style: chr16-10180008-A-G. GRCh37 (hg19) VCF-style: chr16-10273865-A-G.
Other names: c.404T>C, p.Met135Thr (NM_000833.5, NM_001134408.2); c.404T>C (NM_000833.3); short protein forms M135T.
Identifiers: ClinVar variation 2115589 (VCV002115589.5), dbSNP rs2142387348, ClinGen allele CA394715077.

ClinVar aggregate classification (germline): Conflicting classifications of pathogenicity. Review status: criteria provided, conflicting classifications (1 of 4 stars). 2 submissions from 2 submitters: Likely pathogenic (1); Likely benign (1). Last evaluated 2023-12-11.

Conditions:
Landau-Kleffner syndrome (FESD). Also called: EPILEPSY, FOCAL, WITH SPEECH DISORDER AND WITH OR WITHOUT MENTAL RETARDATION; APHASIA, ACQUIRED, WITH EPILEPSY. Identifiers: Orphanet 1945, Orphanet 725, Orphanet 98818, MedGen C0282512, MONDO:0009509, OMIM 245570.

Submissions (2):

Labcorp Genetics (formerly Invitae), Labcorp
Classification: Likely benign for Landau-Kleffner syndrome. Last evaluated: 2023-12-11. Review status: criteria provided, single submitter. Criteria: Invitae Variant Classification Sherloc (09022015). Collection method: clinical testing. Allele origin: germline.

GeneDx
Classification: Likely pathogenic. Last evaluated: 2023-11-27. Review status: criteria provided, single submitter. Criteria: GeneDx Variant Classification Process June 2021. Collection method: clinical testing. Allele origin: germline. Affected: yes.
Comment: Not observed at significant frequency in large population cohorts (gnomAD); In silico analysis supports that this missense variant has a deleterious effect on protein structure/function; Has not been previously published as pathogenic or benign to our knowledge